The following is an entry in ClinVar:

ClinVar aggregate classification (germline): Uncertain significance. Review status: criteria provided, multiple submitters, no conflicts (2 of 4 stars). 3 submissions from 3 submitters: Uncertain significance (3). Last evaluated 2025-08-21.

Conditions:
Epidermolysis bullosa simplex 5C, with pyloric atresia (EBS5C). Also called: PLEC1-Related Epidermolysis Bullosa with Pyloric Atresia; Epidermolysis bullosa simplex with pyloric atresia; PLEC-Related Epidermolysis Bullosa with Pyloric Atresia. Identifiers: Orphanet 158684, MedGen C2677349, MONDO:0012807, OMIM 612138.
Autosomal recessive limb-girdle muscular dystrophy type 2Q (LGMDR17). Also called: MUSCULAR DYSTROPHY, LIMB-GIRDLE, AUTOSOMAL RECESSIVE 17. Identifiers: Orphanet 254361, MedGen C3150989, MONDO:0013390, OMIM 613723.
Epidermolysis bullosa simplex with nail dystrophy (EBS5D). Identifiers: MedGen C4225309, MONDO:0014661, OMIM 616487.
Epidermolysis bullosa simplex 5B, with muscular dystrophy (EBS5B). Also called: Epidermolysis bullosa simplex with muscular dystrophy; EPIDERMOLYSIS BULLOSA SIMPLEX AND LIMB-GIRDLE MUSCULAR DYSTROPHY. Identifiers: Orphanet 257, MedGen C2931072, MONDO:0009181, OMIM 226670.
Epidermolysis bullosa simplex, Ogna type (EBS5A). Also called: EPIDERMOLYSIS BULLOSA SIMPLEX 5A, OGNA TYPE; Pidermolysis bullosa simplex 5A, Ogna type. Identifiers: Orphanet 79401, MedGen C0432317, MONDO:0007555, OMIM 131950.

Allele frequency attached by ClinVar (database versions not stated): TOPMed 0.00003.

Submissions (3):

Labcorp Genetics (formerly Invitae), Labcorp
Classification: Uncertain significance for Autosomal recessive limb-girdle muscular dystrophy type 2Q; Epidermolysis bullosa simplex, Ogna type; Epidermolysis bullosa simplex with nail dystrophy; Epidermolysis bullosa simplex 5C, with pyloric atresia; Epidermolysis bullosa simplex 5B, with muscular dystrophy. Last evaluated: 2025-08-21. Review status: criteria provided, single submitter. Criteria: Invitae Variant Classification Sherloc (09022015). Collection method: clinical testing. Allele origin: germline.
Comment: This sequence change replaces arginine, which is basic and polar, with cysteine, which is neutral and slightly polar, at codon 1287 of the PLEC protein (p.Arg1287Cys). This variant is present in population databases (rs151022876, gnomAD 0.006%). This variant has not been reported in the literature in individuals affected with PLEC-related conditions. ClinVar contains an entry for this variant (Variation ID: 846552). Invitae Evidence Modeling of protein sequence and biophysical properties (such as structural, functional, and spatial information, amino acid conservation, physicochemical variation, residue mobility, and thermodynamic stability) indicates that this missense variant is not expected to disrupt PLEC protein function with a negative predictive value of 80%. In summary, the available evidence is currently insufficient to determine the role of this variant in disease. Therefore, it has been classified as a Variant of Uncertain Significance.

Athena Diagnostics
Classification: Uncertain significance. Last evaluated: 2022-10-06. Review status: criteria provided, single submitter. Criteria: Athena Diagnostics Criteria. Collection method: clinical testing. Allele origin: unknown.
Comment: Available data are insufficient to determine the clinical significance of the variant at this time. The frequency of this variant in the general population is uninformative in assessment of its pathogenicity. Computational tools disagree on the variant's effect on normal protein function.

Revvity Omics, Revvity
Classification: Uncertain significance. Last evaluated: 2020-08-27. Review status: criteria provided, single submitter. Criteria: ACMG Guidelines, 2015. Collection method: clinical testing. Allele origin: germline.

NM_201384.3(PLEC):c.3778C>T (p.Arg1260Cys)

Gene: PLEC (plectin; minus strand). Cytogenetic location: 8q24.3.
Variant type: single nucleotide variant.
Coding change: c.3778C>T on transcript NM_201384.3 (MANE Select); coding-DNA position 3778, C replaced by T.
Protein change: p.Arg1260Cys; replaces arginine 1260 with cysteine.
Molecular consequence: missense variant.
Genome position (GRCh38, 1-based): chr8:143,927,314, G>A on the plus strand (C>T on the coding strand, the complement: PLEC is on the minus strand). VCF-style: chr8-143927314-G-A. GRCh37 (hg19) VCF-style: chr8-145001482-G-A.
Other names: c.3859C>T, p.Arg1287Cys (NM_000445.5); c.3736C>T, p.Arg1246Cys (NM_201378.4); c.3712C>T, p.Arg1238Cys (NM_201379.3); c.4189C>T, p.Arg1397Cys (NM_201380.4); c.3682C>T, p.Arg1228Cys (NM_201381.3); c.3778C>T, p.Arg1260Cys (NM_201382.4); c.3790C>T, p.Arg1264Cys (NM_201383.3); c.3859C>T (NM_000445.3); short protein forms R1287C, R1228C, R1246C, R1260C, R1397C, R1238C, R1264C.
Identifiers: ClinVar variation 846552 (VCV000846552.10), dbSNP rs151022876, ClinGen allele CA4926934.